The following is an entry in ClinVar:

NM_024675.4(PALB2):c.1061C>G (p.Ser354Cys)

Gene: PALB2 (partner and localizer of BRCA2; minus strand). Cytogenetic location: 16p12.2.
Variant type: single nucleotide variant.
Coding change: c.1061C>G on transcript NM_024675.4 (MANE Select); coding-DNA position 1061, C replaced by G.
Protein change: p.Ser354Cys; replaces serine 354 with cysteine.
Molecular consequence: missense variant.
Genome position (GRCh38, 1-based): chr16:23,635,485, G>C on the plus strand (C>G on the coding strand, the complement: PALB2 is on the minus strand). VCF-style: chr16-23635485-G-C. GRCh37 (hg19) VCF-style: chr16-23646806-G-C.
Other names: short protein forms S354C.
Identifiers: ClinVar variation 460874 (VCV000460874.12), dbSNP rs1555461474, ClinGen allele CA395134068.

ClinVar aggregate classification (germline): Conflicting classifications of pathogenicity. Review status: criteria provided, conflicting classifications (1 of 4 stars). 2 submissions from 2 submitters: Uncertain significance (1); Likely benign (1). Last evaluated 2025-02-26.

Conditions:
Hereditary cancer-predisposing syndrome. Also called: Neoplastic Syndromes, Hereditary; Hereditary Cancer Syndrome; Hereditary neoplastic syndrome; Tumor predisposition. Identifiers: Orphanet 140162, MedGen C0027672, MeSH D009386, MONDO:0015356.
Familial cancer of breast. Also called: BREAST CANCER, FAMILIAL; Hereditary breast cancer; hereditary breast carcinoma. Identifiers: Orphanet 227535, MedGen C0346153, MONDO:0016419, OMIM 114480. Disease mechanism: loss of function.

gnomAD v4.1: 7 of 1,614,092 alleles (0.00043%); highest among the groups gnomAD compares: Non-Finnish European, 0.00059%; no homozygotes.

Submissions (2):

Ambry Genetics
Classification: Likely benign for Hereditary cancer-predisposing syndrome. Last evaluated: 2025-02-26. Review status: criteria provided, single submitter. Criteria: Ambry Variant Classification Scheme 2023. Collection method: clinical testing. Allele origin: germline.

Labcorp Genetics (formerly Invitae), Labcorp
Classification: Uncertain significance for Familial cancer of breast. Last evaluated: 2021-05-04. Review status: criteria provided, single submitter. Criteria: Invitae Variant Classification Sherloc (09022015). Collection method: clinical testing. Allele origin: germline.
Comment: This variant is not present in population databases (ExAC no frequency) and has not been reported in the literature in individuals with a PALB2-related disease. This sequence change replaces serine with cysteine at codon 354 of the PALB2 protein (p.Ser354Cys). The serine residue is highly conserved and there is a moderate physicochemical difference between serine and cysteine. Algorithms developed to predict the effect of missense changes on protein structure and function output the following: (SIFT: "Tolerated"; PolyPhen-2: "Benign"; Align-GVGD: "Class C0"). The cysteine amino acid residue is found in multiple mammalian species, suggesting that this missense change does not adversely affect protein function. These predictions have not been confirmed by published functional studies. In summary, this variant is a novel missense change that is not predicted to affect protein function. There is no indication that it causes disease, but the available evidence is currently insufficient to prove that conclusively. Therefore, it has been classified as a Variant of Uncertain Significance.